The following is an entry in ClinVar:

ClinVar aggregate classification (germline): Conflicting classifications of pathogenicity. Review status: criteria provided, conflicting classifications (1 of 4 stars). 9 submissions from 9 submitters: Uncertain significance (5); Likely benign (1). 3 of the submissions do not count toward it. Last evaluated 2025-01-13.

Conditions:
FRAS1-related disorder. Also called: FRAS1-related condition.
Fraser syndrome 1 (FRASRS1). Also called: CRYPTOPHTHALMOS WITH OTHER MALFORMATIONS. Identifiers: Orphanet 2052, MedGen C4551480, MONDO:0054737, OMIM 219000.

Allele frequency attached by ClinVar (database versions not stated): gnomAD exomes 0.00008 and 0.00013; ExAC 0.00017; ESP Exome Variant Server 0.00041; gnomAD 0.00051 and 0.00053; TOPMed 0.00063; 1000 Genomes Project 30x 0.00078; 1000 Genomes Project 0.00100.
gnomAD v4.1: 209 of 1,604,200 alleles (0.013%); highest among the groups gnomAD compares: African/African-American, 0.21%; no homozygotes.

Submissions (9):

Labcorp Genetics (formerly Invitae), Labcorp
Classification: Uncertain significance. Last evaluated: 2025-01-13. Review status: criteria provided, single submitter. Criteria: Invitae Variant Classification Sherloc (09022015). Collection method: clinical testing. Allele origin: germline.
Comment: This sequence change replaces asparagine, which is neutral and polar, with serine, which is neutral and polar, at codon 3769 of the FRAS1 protein (p.Asn3769Ser). This variant is present in population databases (rs112039037, gnomAD 0.2%). This variant has not been reported in the literature in individuals affected with FRAS1-related conditions. ClinVar contains an entry for this variant (Variation ID: 283916). An algorithm developed to predict the effect of missense changes on protein structure and function outputs the following: PolyPhen-2: "Benign". The serine amino acid residue is found in multiple mammalian species, which suggests that this missense change does not adversely affect protein function. In summary, the available evidence is currently insufficient to determine the role of this variant in disease. Therefore, it has been classified as a Variant of Uncertain Significance.

Blueprint Genetics
Classification: Uncertain significance. Last evaluated: 2024-11-01. Review status: criteria provided, single submitter. Criteria: ACMG Guidelines, 2015. Collection method: clinical testing. Allele origin: germline.

Fulgent Genetics
Classification: Likely benign for Fraser syndrome 1. Last evaluated: 2024-03-25. Review status: criteria provided, single submitter. Criteria: ACMG Guidelines, 2015. Collection method: clinical testing. Allele origin: germline.

Neuberg Centre For Genomic Medicine, NCGM
Classification: Uncertain significance for Fraser syndrome 1. Last evaluated: 2023-03-01. Review status: criteria provided, single submitter. Criteria: ACMG Guidelines, 2015. Collection method: clinical testing. Allele origin: germline. Inheritance: Autosomal recessive inheritance. Affected: yes.
Comment: The missense c.11306A>G (p.Asn3769Ser) variant in FRAS1 gene has not been reported previously as a pathogenic variant nor as a benign variant, to our knowledge. The p.Asn3769Ser variant is reported with an allele frequency of 0.01% in the gnomAD exomes database. This variant has been reported to the ClinVar database as Likely Benign / Uncertain Significance (multiple submissions). The amino acid change p.Asn3769Ser in FRAS1 is predicted as conserved by GERP++ and PhyloP across 100 vertebrates. The amino acid Asn at position 3769 is changed to a Ser changing protein sequence and it might alter its composition and physico-chemical properties. For these reasons, this variant has been classified as a Variant of Uncertain Significance (VUS).

Eurofins Ntd Llc (ga)
Classification: Uncertain significance. Last evaluated: 2015-10-20. Review status: criteria provided, single submitter. Criteria: EGL Classification Definitions 2015. Collection method: clinical testing. Allele origin: germline. Observed: 1 variant allele, 1 heterozygote.

Breakthrough Genomics
Classification: Uncertain significance. Review status: criteria provided, single submitter. Criteria: ACMG Guidelines, 2015. Collection method: not provided. Allele origin: germline. Inheritance: Autosomal recessive inheritance. Affected: yes.

PreventionGenetics, part of Exact Sciences
Classification: Likely benign for FRAS1-related condition. Last evaluated: 2022-03-14. Review status: no assertion criteria provided. Collection method: clinical testing. Allele origin: germline. Not counted in ClinVar's aggregate classification.
Comment: This variant is classified as likely benign based on ACMG/AMP sequence variant interpretation guidelines (Richards et al. 2015 PMID: 25741868, with internal and published modifications).

Clinical Genetics DNA and cytogenetics Diagnostics Lab, Erasmus MC, Erasmus Medical Center
Classification: Likely benign. Review status: no assertion criteria provided. Collection method: clinical testing. Allele origin: germline. Affected: yes. Study: VKGL Data-share Consensus. Not counted in ClinVar's aggregate classification.

Genome Diagnostics Laboratory, University Medical Center Utrecht
Classification: Likely benign. Review status: no assertion criteria provided. Collection method: clinical testing. Allele origin: germline. Affected: yes. Study: VKGL Data-share Consensus. Not counted in ClinVar's aggregate classification.

NM_025074.7(FRAS1):c.11306A>G (p.Asn3769Ser)

Gene: FRAS1 (Fraser extracellular matrix complex subunit 1; plus strand). Cytogenetic location: 4q21.21.
Variant type: single nucleotide variant.
Coding change: c.11306A>G on transcript NM_025074.7 (MANE Select); coding-DNA position 11306, A replaced by G.
Protein change: p.Asn3769Ser; replaces asparagine 3769 with serine.
Molecular consequence: missense variant.
Genome position (GRCh38, 1-based): chr4:78,539,301, A>G. VCF-style: chr4-78539301-A-G. GRCh37 (hg19) VCF-style: chr4-79460455-A-G.
Other names: c.11306A>G (NM_025074.6); short protein forms N3769S.
Identifiers: ClinVar variation 283916 (VCV000283916.20), dbSNP rs112039037, ClinGen allele CA2979202.